The following is an entry in ClinVar:

NM_001142800.2(EYS):c.5747C>T (p.Ser1916Phe)

Gene: EYS (EGF-like photoreceptor maintenance factor; minus strand). Cytogenetic location: 6q12.
Variant type: single nucleotide variant.
Coding change: c.5747C>T on transcript NM_001142800.2 (MANE Select); coding-DNA position 5747, C replaced by T.
Protein change: p.Ser1916Phe; replaces serine 1916 with phenylalanine.
Molecular consequence: missense variant.
Genome position (GRCh38, 1-based): chr6:64,439,250, G>A on the plus strand (C>T on the coding strand, the complement: EYS is on the minus strand). VCF-style: chr6-64439250-G-A. GRCh37 (hg19) VCF-style: chr6-65149143-G-A.
Other names: c.5747C>T, p.Ser1916Phe (NM_001292009.2); short protein forms S1916F.
Identifiers: ClinVar variation 2144245 (VCV002144245.2), dbSNP rs1263284113, ClinGen allele CA364392693.

ClinVar aggregate classification (germline): Uncertain significance. Review status: criteria provided, multiple submitters, no conflicts (2 of 4 stars). 2 submissions from 2 submitters: Uncertain significance (2). Last evaluated 2022-03-30.

Allele frequency attached by ClinVar (database versions not stated): gnomAD 0.00001; gnomAD exomes 0.00001.
gnomAD v4.1: 11 of 1,512,988 alleles (0.00073%); highest among the groups gnomAD compares: South Asian, 0.013%; no homozygotes.

Submissions (2):

Blueprint Genetics
Classification: Uncertain significance. Last evaluated: 2022-03-30. Review status: criteria provided, single submitter. Criteria: ACMG Guidelines, 2015. Collection method: clinical testing. Allele origin: germline.

Labcorp Genetics (formerly Invitae), Labcorp
Classification: Uncertain significance. Last evaluated: 2021-12-29. Review status: criteria provided, single submitter. Criteria: Invitae Variant Classification Sherloc (09022015). Collection method: clinical testing. Allele origin: germline.
Comment: This sequence change replaces serine, which is neutral and polar, with phenylalanine, which is neutral and non-polar, at codon 1916 of the EYS protein (p.Ser1916Phe). This variant is not present in population databases (gnomAD no frequency). This variant has not been reported in the literature in individuals affected with EYS-related conditions. Algorithms developed to predict the effect of missense changes on protein structure and function are either unavailable or do not agree on the potential impact of this missense change (SIFT: "Tolerated"; PolyPhen-2: "Possibly Damaging"; Align-GVGD: "Class C0"). In summary, the available evidence is currently insufficient to determine the role of this variant in disease. Therefore, it has been classified as a Variant of Uncertain Significance.